The following is an entry in ClinVar:

NM_144596.4(TTC8):c.624+2754C>T

Gene: TTC8 (tetratricopeptide repeat domain 8; plus strand). Cytogenetic location: 14q31.3.
Variant type: single nucleotide variant.
Coding change: c.624+2754C>T on transcript NM_144596.4 (MANE Select); 2754 bases into the intron after coding-DNA position 624, C replaced by T.
Molecular consequence: intron variant. On other transcripts: missense variant (1).
Genome position (GRCh38, 1-based): chr14:88,846,604, C>T. VCF-style: chr14-88846604-C-T. GRCh37 (hg19) VCF-style: chr14-89312948-C-T.
Other names: c.601C>T, p.Leu201Phe (NM_001288781.1); c.30+5047C>T (NM_001288782.1); c.594+2754C>T (NM_198309.3, NM_001366535.2); c.-153-244C>T (NM_001288783.1); c.504+2754C>T (NM_198310.3, NM_001366536.2); short protein forms L201F.
Identifiers: ClinVar variation 4997687 (VCV004997687.1).

ClinVar aggregate classification (germline): Uncertain significance (1 of 4 stars; one submission).

Conditions:
TTC8-related disorder. Also called: TTC8-related condition.

gnomAD v4.1: 2 of 1,440,676 alleles (0.00014%); highest among the groups gnomAD compares: South Asian, 0.0013%; no homozygotes.

Submission:

PreventionGenetics, part of Exact Sciences
Classification: Uncertain significance for TTC8-related condition. Last evaluated: 2025-08-13. Review status: criteria provided, single submitter. Criteria: ACMG Guidelines, 2015. Collection method: clinical testing. Allele origin: germline.
Comment: The TTC8 c.601C>T variant is predicted to result in the amino acid substitution p.Leu201Phe. To our knowledge, this variant has not been reported in the literature or in a large population database (gnomAD), indicating this variant is rare. At this time, the clinical significance of this variant is uncertain due to the absence of conclusive functional and genetic evidence.